The following is an entry in ClinVar:

ClinVar aggregate classification (germline): Uncertain significance (1 of 4 stars; one submission).

Allele frequency attached by ClinVar (database versions not stated): gnomAD 0.00001.
gnomAD v4.1: 1 of 1,612,276 alleles (0.000062%); highest among the groups gnomAD compares: Non-Finnish European, 0.000085%; no homozygotes.

Submission:

CeGaT Center for Human Genetics Tuebingen
Classification: Uncertain significance. Last evaluated: 2024-01-01. Review status: criteria provided, single submitter. Criteria: CeGaT Center For Human Genetics Tuebingen Variant Classification Criteria Version 2. Collection method: clinical testing. Allele origin: germline. Affected: yes. Observed: 1 variant allele.
Comment: SFRP4: PM2, PM3:Supporting, PP4

NM_003014.4(SFRP4):c.425T>A (p.Ile142Asn)

Gene: SFRP4 (secreted frizzled related protein 4; minus strand). Cytogenetic location: 7p14.1.
Variant type: single nucleotide variant.
Coding change: c.425T>A on transcript NM_003014.4 (MANE Select); coding-DNA position 425, T replaced by A.
Protein change: p.Ile142Asn; replaces isoleucine 142 with asparagine.
Molecular consequence: missense variant.
Genome position (GRCh38, 1-based): chr7:37,916,113, A>T on the plus strand (T>A on the coding strand, the complement: SFRP4 is on the minus strand). VCF-style: chr7-37916113-A-T. GRCh37 (hg19) VCF-style: chr7-37955715-A-T.
Other names: short protein forms I142N.
Identifiers: ClinVar variation 3025708 (VCV003025708.22), dbSNP rs1182234084, ClinGen allele CA367220294.